The following is an entry in ClinVar:

ClinVar aggregate classification (germline): Conflicting classifications of pathogenicity. Review status: criteria provided, conflicting classifications (1 of 4 stars). 7 submissions from 7 submitters: Uncertain significance (1); Benign (1); Likely benign (4). 1 of the submissions does not count toward it. Last evaluated 2026-01-12.

Conditions:
FLNB-Related Spectrum Disorders.
FLNB-related disorder. Also called: FLNB-related disorders; FLNB-related condition. Identifiers: MedGen CN381095.

Allele frequency attached by ClinVar (database versions not stated): ESP Exome Variant Server 0.00015; TOPMed 0.00017; 1000 Genomes Project 0.00020; gnomAD 0.00024; 1000 Genomes Project 30x 0.00031; gnomAD exomes 0.00037 and 0.00041; ExAC 0.00063.
gnomAD v4.1: 584 of 1,614,148 alleles (0.036%); highest among the groups gnomAD compares: Non-Finnish European, 0.042%; 5 homozygotes.

Submissions (7):

Labcorp Genetics (formerly Invitae), Labcorp
Classification: Benign. Last evaluated: 2026-01-12. Review status: criteria provided, single submitter. Criteria: Invitae Variant Classification Sherloc (09022015). Collection method: clinical testing. Allele origin: germline.

Laboratory of Genetics, Children's Clinical University Hospital Latvia
Classification: Likely benign. Last evaluated: 2025-02-16. Review status: criteria provided, single submitter. Criteria: ACMG Guidelines, 2015. Collection method: clinical testing. Allele origin: germline. Affected: yes.

Blueprint Genetics
Classification: Likely benign. Last evaluated: 2024-11-05. Review status: criteria provided, single submitter. Criteria: ACMG Guidelines, 2015. Collection method: clinical testing. Allele origin: germline.

CeGaT Center for Human Genetics Tuebingen
Classification: Likely benign. Last evaluated: 2023-04-01. Review status: criteria provided, single submitter. Criteria: CeGaT Center For Human Genetics Tuebingen Variant Classification Criteria Version 2. Collection method: clinical testing. Allele origin: germline. Affected: yes. Observed: 1 variant allele.
Comment: FLNB: BS1

GeneDx
Classification: Likely benign. Last evaluated: 2021-04-20. Review status: criteria provided, single submitter. Criteria: GeneDx Variant Classification Process June 2021. Collection method: clinical testing. Allele origin: germline. Affected: yes.

Illumina Laboratory Services, Illumina
Classification: Uncertain significance for FLNB-Related Spectrum Disorders. Last evaluated: 2018-01-12. Review status: criteria provided, single submitter. Criteria: ICSL Variant Classification Criteria 13 December 2019. Collection method: clinical testing. Allele origin: germline.

PreventionGenetics, part of Exact Sciences
Classification: Likely benign for FLNB-related condition. Last evaluated: 2023-11-03. Review status: no assertion criteria provided. Collection method: clinical testing. Allele origin: germline. Not counted in ClinVar's aggregate classification.
Comment: This variant is classified as likely benign based on ACMG/AMP sequence variant interpretation guidelines (Richards et al. 2015 PMID: 25741868, with internal and published modifications).

NM_001457.4(FLNB):c.7255G>A (p.Val2419Ile)

Genes: FLNB (filamin B; plus strand), FLNB-AS1 (FLNB antisense RNA 1; minus strand). Cytogenetic location: 3p14.3.
Variant type: single nucleotide variant.
Coding change: c.7255G>A on transcript NM_001457.4 (MANE Select); coding-DNA position 7255, G replaced by A.
Protein change: p.Val2419Ile; replaces valine 2419 with isoleucine.
Molecular consequence: missense variant.
Genome position (GRCh38, 1-based): chr3:58,168,496, G>A. VCF-style: chr3-58168496-G-A. GRCh37 (hg19) VCF-style: chr3-58154223-G-A.
Other names: c.7348G>A, p.Val2450Ile (NM_001164317.2); c.7222G>A, p.Val2408Ile (NM_001164318.2); c.7183G>A, p.Val2395Ile (NM_001164319.2); short protein forms V2419I, V2395I, V2408I, V2450I.
Identifiers: ClinVar variation 385862 (VCV000385862.41), dbSNP rs202143851, ClinGen allele CA2469646.
Genomic context (GRCh38, chr3:58,168,496, plus strand): 5'-CCAGGTATCCAGTCGGAATTCTTTATTAACACCACCCGAGCAGGTCCAGGGACATTATCC[G>A]TCACCATCGAAGGCCCATCCAAGGTTAAAATGGATTGCCAGGAAACACCTGAAGGGTACA-3'
Protein context (NP_001448.2, residues 2409-2429): TTRAGPGTLS[Val2419Ile]TIEGPSKVKM